The following is an entry in ClinVar:

ClinVar aggregate classification (germline): Uncertain significance (1 of 4 stars; one submission).

Conditions:
Hereditary sensory neuropathy-deafness-dementia syndrome. Also called: Hereditary Sensory and Autonomic Neuropathy Type 1E (HSAN1E); HSN IE; Hereditary sensory neuropathy type IE; NEUROPATHY, HEREDITARY SENSORY, WITH HEARING LOSS AND DEMENTIA. Identifiers: Orphanet 456318, MedGen C3279885, MONDO:0013584, OMIM 614116.

Allele frequency attached by ClinVar (database versions not stated): gnomAD exomes below 0.00001; TOPMed below 0.00001; gnomAD 0.00001.
gnomAD v4.1: 2 of 1,612,564 alleles (0.00012%); highest among the groups gnomAD compares: South Asian, 0.0011%; no homozygotes.

Submission:

Labcorp Genetics (formerly Invitae), Labcorp
Classification: Uncertain significance for Hereditary sensory neuropathy-deafness-dementia syndrome. Last evaluated: 2024-05-08. Review status: criteria provided, single submitter. Criteria: Invitae Variant Classification Sherloc (09022015). Collection method: clinical testing. Allele origin: germline.
Comment: This sequence change replaces aspartic acid, which is acidic and polar, with glycine, which is neutral and non-polar, at codon 34 of the DNMT1 protein (p.Asp34Gly). This variant is not present in population databases (gnomAD no frequency). This variant has not been reported in the literature in individuals affected with DNMT1-related conditions. ClinVar contains an entry for this variant (Variation ID: 1524699). Advanced modeling of protein sequence and biophysical properties (such as structural, functional, and spatial information, amino acid conservation, physicochemical variation, residue mobility, and thermodynamic stability) performed at Invitae indicates that this missense variant is not expected to disrupt DNMT1 protein function with a negative predictive value of 95%. In summary, the available evidence is currently insufficient to determine the role of this variant in disease. Therefore, it has been classified as a Variant of Uncertain Significance.

NM_001130823.3(DNMT1):c.101A>G (p.Asp34Gly)

Genes: DNMT1 (DNA methyltransferase 1; minus strand), LOC107080555 (origin of replication in DNMT1; plus strand). Cytogenetic location: 19p13.2.
Variant type: single nucleotide variant.
Coding change: c.101A>G on transcript NM_001130823.3 (MANE Select); coding-DNA position 101, A replaced by G.
Protein change: p.Asp34Gly; replaces aspartic acid 34 with glycine.
Molecular consequence: missense variant. On other transcripts: 5 prime UTR variant (1).
Genome position (GRCh38, 1-based): chr19:10,182,057, T>C on the plus strand (A>G on the coding strand, the complement: DNMT1 is on the minus strand). VCF-style: chr19-10182057-T-C. GRCh37 (hg19) VCF-style: chr19-10292733-T-C.
Other names: c.101A>G, p.Asp34Gly (NM_001318730.2, NM_001379.4); c.-223A>G (NM_001318731.2); short protein forms D34G.
Identifiers: ClinVar variation 1524699 (VCV001524699.6), dbSNP rs2039056533, ClinGen allele CA403948232.